The following is an entry in ClinVar:

ClinVar aggregate classification (germline): Pathogenic. Review status: criteria provided, multiple submitters, no conflicts (2 of 4 stars). 5 submissions from 5 submitters: Pathogenic (5). Last evaluated 2024-09-11.

Conditions:
Retinal dystrophy. Also called: Inherited retinal dystrophy. Identifiers: Orphanet 71862, MedGen C0854723, MeSH D058499, MONDO:0019118, HP:0000556.
PRPH2-related disorder. Also called: PRPH2-related disorders; PRPH2-related condition. Identifiers: MedGen CN239395.
Cone-rod dystrophy. Also called: Cone/cone-rod dystrophy; Cone-rod degeneration. Identifiers: Orphanet 1872, MedGen C4085590, MONDO:0015993, HP:0000548.

Submissions (5):

Blueprint Genetics
Classification: Pathogenic for PRPH2-related disorders. Last evaluated: 2024-09-11. Review status: criteria provided, single submitter. Criteria: ACMG Guidelines, 2015. Collection method: clinical testing. Allele origin: germline. Affected: yes. Observed: 2 variant alleles.

Labcorp Genetics (formerly Invitae), Labcorp
Classification: Pathogenic for PRPH2-related disorder. Last evaluated: 2022-08-05. Review status: criteria provided, single submitter. Criteria: Invitae Variant Classification Sherloc (09022015). Collection method: clinical testing. Allele origin: germline.
Comment: This sequence change creates a premature translational stop signal (p.Trp246*) in the PRPH2 gene. It is expected to result in an absent or disrupted protein product. Loss-of-function variants in PRPH2 are known to be pathogenic (PMID: 8111389, 8485575, 8485576, 8675410, 16916875, 17504850, 22863181, 25675413, 26061163, 27365499, 29555955, 33546218). For these reasons, this variant has been classified as Pathogenic. ClinVar contains an entry for this variant (Variation ID: 813081). This variant has not been reported in the literature in individuals affected with PRPH2-related conditions. This variant is not present in population databases (gnomAD no frequency).

Molecular Genetics Laboratory, Institute for Ophthalmic Research
Classification: Pathogenic for Cone-rod dystrophy. Last evaluated: 2020-01-09. Review status: criteria provided, single submitter. Criteria: ACMG Guidelines, 2015. Collection method: research. Allele origin: germline. Affected: yes.

CeGaT Center for Human Genetics Tuebingen
Classification: Pathogenic. Last evaluated: 2018-06-01. Review status: criteria provided, single submitter. Criteria: CeGaT Center For Human Genetics Tuebingen Variant Classification Criteria Version 2. Collection method: clinical testing. Allele origin: germline. Affected: yes. Observed: 1 variant allele.

Institute of Human Genetics, Univ. Regensburg, Univ. Regensburg
Classification: Pathogenic for Retinal dystrophy. Last evaluated: 2015-01-01. Review status: criteria provided, single submitter. Criteria: ACMG Guidelines, 2015. Collection method: clinical testing. Allele origin: germline. Affected: yes.

Literature cited by the submitters: PubMed 8111389 (cited by Labcorp Genetics (formerly Invitae), Labcorp); PubMed 8485575 (cited by Labcorp Genetics (formerly Invitae), Labcorp); PubMed 8485576 (cited by Labcorp Genetics (formerly Invitae), Labcorp); PubMed 8675410 (cited by Labcorp Genetics (formerly Invitae), Labcorp); PubMed 16916875 (cited by Labcorp Genetics (formerly Invitae), Labcorp); PubMed 17504850 (cited by Labcorp Genetics (formerly Invitae), Labcorp); PubMed 22863181 (cited by Labcorp Genetics (formerly Invitae), Labcorp); PubMed 25675413 (cited by Labcorp Genetics (formerly Invitae), Labcorp); PubMed 26061163 (cited by Labcorp Genetics (formerly Invitae), Labcorp); PubMed 27365499 (cited by Labcorp Genetics (formerly Invitae), Labcorp); PubMed 29555955 (cited by Labcorp Genetics (formerly Invitae), Labcorp); PubMed 33546218 (cited by Labcorp Genetics (formerly Invitae), Labcorp); PubMed 32531858 (cited by Institute of Human Genetics, Univ. Regensburg, Univ. Regensburg).

NM_000322.5(PRPH2):c.738G>A (p.Trp246Ter)

Gene: PRPH2 (peripherin 2; minus strand). Cytogenetic location: 6p21.1.
Variant type: single nucleotide variant.
Coding change: c.738G>A on transcript NM_000322.5 (MANE Select); coding-DNA position 738, G replaced by A.
Protein change: p.Trp246Ter; replaces tryptophan 246 with a stop codon.
Molecular consequence: nonsense.
Genome position (GRCh38, 1-based): chr6:42,704,455, C>T on the plus strand (G>A on the coding strand, the complement: PRPH2 is on the minus strand). VCF-style: chr6-42704455-C-T. GRCh37 (hg19) VCF-style: chr6-42672193-C-T.
Other names: short protein forms W246*.
Identifiers: ClinVar variation 813081 (VCV000813081.47), dbSNP rs1800111659, ClinGen allele CA364135033.